The following is an entry in ClinVar:

NM_001701.4(BAAT):c.1103A>G (p.Tyr368Cys)

Gene: BAAT (bile acid-CoA:amino acid N-acyltransferase; minus strand). Cytogenetic location: 9q31.1.
Variant type: single nucleotide variant.
Coding change: c.1103A>G on transcript NM_001701.4 (MANE Select); coding-DNA position 1103, A replaced by G.
Protein change: p.Tyr368Cys; replaces tyrosine 368 with cysteine.
Molecular consequence: missense variant.
Genome position (GRCh38, 1-based): chr9:101,362,582, T>C on the plus strand (A>G on the coding strand, the complement: BAAT is on the minus strand). VCF-style: chr9-101362582-T-C. GRCh37 (hg19) VCF-style: chr9-104124864-T-C.
Other names: p.Tyr368Cys; c.1103A>G, p.Tyr368Cys (NM_001127610.2, NM_001374715.1); short protein forms Y368C.
Identifiers: ClinVar variation 3379884 (VCV003379884.1).

ClinVar aggregate classification (germline): Uncertain significance (1 of 4 stars; one submission).

gnomAD v4.1: 5 of 1,613,938 alleles (0.00031%); highest among the groups gnomAD compares: African/African-American, 0.0053%; no homozygotes.

Submission:

Mayo Clinic Laboratories, Mayo Clinic
Classification: Uncertain significance. Last evaluated: 2023-08-07. Review status: criteria provided, single submitter. Criteria: ACMG Guidelines, 2015. Collection method: clinical testing. Allele origin: germline. Observed: 1 variant allele.
Comment: PM2_moderate